The following is an entry in ClinVar:

NM_001365999.1(SZT2):c.6694C>T (p.Pro2232Ser)

Gene: SZT2 (SZT2 subunit of KICSTOR complex; plus strand). Cytogenetic location: 1p34.2.
Variant type: single nucleotide variant.
Coding change: c.6694C>T on transcript NM_001365999.1 (MANE Select); coding-DNA position 6694, C replaced by T.
Protein change: p.Pro2232Ser; replaces proline 2232 with serine.
Molecular consequence: missense variant.
Genome position (GRCh38, 1-based): chr1:43,438,995, C>T. VCF-style: chr1-43438995-C-T. GRCh37 (hg19) VCF-style: chr1-43904666-C-T.
Other names: c.6523C>T, p.Pro2175Ser (NM_015284.4); short protein forms P2175S, P2232S.
Identifiers: ClinVar variation 1059851 (VCV001059851.9), dbSNP rs1654763209, ClinGen allele CA340031763.

ClinVar aggregate classification (germline): Uncertain significance (1 of 4 stars; one submission).

Allele frequency attached by ClinVar (database versions not stated): TOPMed 0.00001.

Submission:

Labcorp Genetics (formerly Invitae), Labcorp
Classification: Uncertain significance. Last evaluated: 2022-03-23. Review status: criteria provided, single submitter. Criteria: Invitae Variant Classification Sherloc (09022015). Collection method: clinical testing. Allele origin: germline.
Comment: In summary, the available evidence is currently insufficient to determine the role of this variant in disease. Therefore, it has been classified as a Variant of Uncertain Significance. Algorithms developed to predict the effect of sequence changes on RNA splicing suggest that this variant may create or strengthen a splice site. Algorithms developed to predict the effect of missense changes on protein structure and function are either unavailable or do not agree on the potential impact of this missense change (SIFT: "Tolerated"; PolyPhen-2: "Possibly Damaging"; Align-GVGD: "Class C0"). ClinVar contains an entry for this variant (Variation ID: 1059851). This variant has not been reported in the literature in individuals affected with SZT2-related conditions. This variant is not present in population databases (gnomAD no frequency). This sequence change replaces proline, which is neutral and non-polar, with serine, which is neutral and polar, at codon 2175 of the SZT2 protein (p.Pro2175Ser).